The following is an entry in ClinVar:

ClinVar aggregate classification (germline): Uncertain significance (1 of 4 stars; one submission).

Conditions:
Inborn genetic diseases. Identifiers: MedGen C0950123, MeSH D030342.

Submission:

Ambry Genetics
Classification: Uncertain significance for Inborn genetic diseases. Last evaluated: 2024-12-22. Review status: criteria provided, single submitter. Criteria: Ambry Variant Classification Scheme 2023. Collection method: clinical testing. Allele origin: germline.
Comment: The p.L1250I variant (also known as c.3748C>A), located in coding exon 1 of the SAMD9L gene, results from a C to A substitution at nucleotide position 3748. The leucine at codon 1250 is replaced by isoleucine, an amino acid with highly similar properties. This amino acid position is conserved. In addition, this alteration is predicted to be tolerated by in silico analysis. Based on the available evidence, the clinical significance of this variant remains unclear.

NM_152703.5(SAMD9L):c.3748C>A (p.Leu1250Ile)

Gene: SAMD9L (sterile alpha motif domain containing 9 like; minus strand). Cytogenetic location: 7q21.2.
Variant type: single nucleotide variant.
Coding change: c.3748C>A on transcript NM_152703.5 (MANE Select); coding-DNA position 3748, C replaced by A.
Protein change: p.Leu1250Ile; replaces leucine 1250 with isoleucine.
Molecular consequence: missense variant.
Genome position (GRCh38, 1-based): chr7:93,132,224, G>T on the plus strand (C>A on the coding strand, the complement: SAMD9L is on the minus strand). VCF-style: chr7-93132224-G-T. GRCh37 (hg19) VCF-style: chr7-92761537-G-T.
Other names: c.3748C>A, p.Leu1250Ile (NM_001303496.3, NM_001303497.3, NM_001303498.3 and 5 more transcripts); short protein forms L1250I.
Identifiers: ClinVar variation 3792243 (VCV003792243.1).